The following is an entry in ClinVar:

NM_004260.4(RECQL4):c.3346C>G (p.Pro1116Ala)

Gene: RECQL4 (RecQ like helicase 4; minus strand). Cytogenetic location: 8q24.3.
Variant type: single nucleotide variant.
Coding change: c.3346C>G on transcript NM_004260.4 (MANE Select); coding-DNA position 3346, C replaced by G.
Protein change: p.Pro1116Ala; replaces proline 1116 with alanine.
Molecular consequence: missense variant. On other transcripts: non-coding transcript variant (3).
Genome position (GRCh38, 1-based): chr8:144,511,958, G>C on the plus strand (C>G on the coding strand, the complement: RECQL4 is on the minus strand). VCF-style: chr8-144511958-G-C. GRCh37 (hg19) VCF-style: chr8-145737341-G-C.
Other names: c.3052C>G, p.Pro1018Ala (NM_001413017.1); c.3148C>G, p.Pro1050Ala (NM_001413018.1); c.3421C>G, p.Pro1141Ala (NM_001413019.1); c.3250C>G, p.Pro1084Ala (NM_001413020.1); c.2275C>G, p.Pro759Ala (NM_001413021.1, NM_001413022.1, NM_001413024.1 and 4 more transcripts); c.2350C>G, p.Pro784Ala (NM_001413023.1); c.3217C>G, p.Pro1073Ala (NM_001413025.1); c.2209C>G, p.Pro737Ala (NM_001413027.1, NM_001413030.1, NM_001413032.1); and 9 more; short protein forms P1084A, P1116A, P762A, P1018A, P1072A, P1141A, P715A, P1050A.
Identifiers: ClinVar variation 2720531 (VCV002720531.3), dbSNP rs1827297434, ClinGen allele CA372668436.
Genomic context (GRCh38, chr8:144,511,958, plus strand): 5'-TTACTGCACTCACTCTGGCCTGCCCTGGCTCGGGGCCCTGTGCGTCCTCCATGCCTCCCG[G>C]CTCCTGCCCTTCCTCTTCCTCAAAGTAGCGGCCGAGCAGGTCCTTGAGCCTGGTGCTGCG-3'
Protein context (NP_004251.4, residues 1106-1126): RYFEEEEGQE[Pro1116Ala]GGMEDAQGPE

ClinVar aggregate classification (germline): Uncertain significance (1 of 4 stars; one submission).

Conditions:
Baller-Gerold syndrome (BGS). Also called: CRANIOSYNOSTOSIS WITH RADIAL DEFECTS. Identifiers: Orphanet 1225, MedGen C0265308, MONDO:0009039, OMIM 218600.

Submission:

Labcorp Genetics (formerly Invitae), Labcorp
Classification: Uncertain significance for Baller-Gerold syndrome. Last evaluated: 2023-06-21. Review status: criteria provided, single submitter. Criteria: Invitae Variant Classification Sherloc (09022015). Collection method: clinical testing. Allele origin: germline.
Comment: In summary, the available evidence is currently insufficient to determine the role of this variant in disease. Therefore, it has been classified as a Variant of Uncertain Significance. Advanced modeling of protein sequence and biophysical properties (such as structural, functional, and spatial information, amino acid conservation, physicochemical variation, residue mobility, and thermodynamic stability) performed at Invitae indicates that this missense variant is not expected to disrupt RECQL4 protein function. This variant has not been reported in the literature in individuals affected with RECQL4-related conditions. This variant is not present in population databases (gnomAD no frequency). This sequence change replaces proline, which is neutral and non-polar, with alanine, which is neutral and non-polar, at codon 1116 of the RECQL4 protein (p.Pro1116Ala).